The following is an entry in ClinVar:

NM_006734.4(HIVEP2):c.1762C>T (p.Arg588Cys)

Gene: HIVEP2 (HIVEP zinc finger 2; minus strand). Cytogenetic location: 6q24.2.
Variant type: single nucleotide variant.
Coding change: c.1762C>T on transcript NM_006734.4 (MANE Select); coding-DNA position 1762, C replaced by T.
Protein change: p.Arg588Cys; replaces arginine 588 with cysteine.
Molecular consequence: missense variant.
Genome position (GRCh38, 1-based): chr6:142,772,977, G>A on the plus strand (C>T on the coding strand, the complement: HIVEP2 is on the minus strand). VCF-style: chr6-142772977-G-A. GRCh37 (hg19) VCF-style: chr6-143094114-G-A.
Other names: c.1762C>T (NM_006734.3); short protein forms R588C.
Identifiers: ClinVar variation 3387774 (VCV003387774.3).

ClinVar aggregate classification (germline): Conflicting classifications of pathogenicity. Review status: criteria provided, conflicting classifications (1 of 4 stars). 2 submissions from 2 submitters: Likely pathogenic (1); Uncertain significance (1). Last evaluated 2024-12-13.

Conditions:
Inborn genetic diseases. Identifiers: MedGen C0950123, MeSH D030342.
Intellectual developmental disorder, autosomal dominant 43. Also called: Intellectual disability, autosomal dominant 43. Identifiers: MedGen C4707429, MONDO:0014858, OMIM 616977.

gnomAD v4.1: 2 of 1,614,146 alleles (0.00012%); highest among the groups gnomAD compares: Non-Finnish European, 0.000085%; no homozygotes.

Submissions (2):

Molecular Genetics Laboratory, Motol Hospital
Classification: Likely pathogenic for Intellectual developmental disorder, autosomal dominant 43. Last evaluated: 2024-12-13. Review status: criteria provided, single submitter. Criteria: ACMG Guidelines, 2015. Collection method: clinical testing. Allele origin: de novo. Affected: yes. Observed: 1 variant allele.
Comment: The variant was confirmed to be of a de novo origin. Rare variants affecting the HIVEP2 gene are documented as a molecular cause of autosomal dominant "intellectual developmental disorder-43" (MRD43; OMIM:616977; PMID:27003583;26153216;36588750;34704275). To conclude, the variant is classified as likely pathogenic (ACMG PM2, PS2).

Ambry Genetics
Classification: Uncertain significance for Inborn genetic diseases. Last evaluated: 2024-07-10. Review status: criteria provided, single submitter. Criteria: Ambry Variant Classification Scheme 2023. Collection method: clinical testing. Allele origin: germline.

Literature cited by the submitters: PubMed 27003583 (cited by Molecular Genetics Laboratory, Motol Hospital); PubMed 26153216 (cited by Molecular Genetics Laboratory, Motol Hospital); PubMed 36588750 (cited by Molecular Genetics Laboratory, Motol Hospital); PubMed 34704275 (cited by Molecular Genetics Laboratory, Motol Hospital).